The following is an entry in ClinVar:

ClinVar aggregate classification (germline): Uncertain significance (1 of 4 stars; one submission).

Submission:

Labcorp Genetics (formerly Invitae), Labcorp
Classification: Uncertain significance. Last evaluated: 2025-10-02. Review status: criteria provided, single submitter. Criteria: Invitae Variant Classification Sherloc (09022015). Collection method: clinical testing. Allele origin: germline.
Comment: This sequence change replaces leucine, which is neutral and non-polar, with valine, which is neutral and non-polar, at codon 1812 of the CACNA1E protein (p.Leu1812Val). This variant is not present in population databases (gnomAD no frequency). This variant has not been reported in the literature in individuals affected with CACNA1E-related conditions. ClinVar contains an entry for this variant (Variation ID: 3711638). Invitae Evidence Modeling of protein sequence and biophysical properties (such as structural, functional, and spatial information, amino acid conservation, physicochemical variation, residue mobility, and thermodynamic stability) indicates that this missense variant is not expected to disrupt CACNA1E protein function with a negative predictive value of 95%. In summary, the available evidence is currently insufficient to determine the role of this variant in disease. Therefore, it has been classified as a Variant of Uncertain Significance.

NM_001205293.3(CACNA1E):c.5434C>G (p.Leu1812Val)

Gene: CACNA1E (calcium voltage-gated channel subunit alpha1 E; plus strand). Cytogenetic location: 1q25.3.
Variant type: single nucleotide variant.
Coding change: c.5434C>G on transcript NM_001205293.3 (MANE Select); coding-DNA position 5434, C replaced by G.
Protein change: p.Leu1812Val; replaces leucine 1812 with valine.
Molecular consequence: missense variant.
Genome position (GRCh38, 1-based): chr1:181,783,748, C>G. VCF-style: chr1-181783748-C-G. GRCh37 (hg19) VCF-style: chr1-181752884-C-G.
Other names: c.5434C>G, p.Leu1812Val (NM_000721.4); c.5377C>G, p.Leu1793Val (NM_001205294.2); short protein forms L1793V, L1812V.
Identifiers: ClinVar variation 3711638 (VCV003711638.2).